The following is an entry in ClinVar:

ClinVar aggregate classification (germline): Benign. Review status: criteria provided, single submitter (1 of 4 stars). 2 submissions from 2 submitters: Benign (1). 1 of the submissions does not count toward it. Last evaluated 2019-10-02.

Conditions:
MTO1-related disorder. Also called: MTO1-related condition.

Submissions (2):

GeneDx
Classification: Benign. Last evaluated: 2019-10-02. Review status: criteria provided, single submitter. Criteria: GeneDx Variant Classification Process June 2021. Collection method: clinical testing. Allele origin: germline. Affected: yes.

PreventionGenetics, part of Exact Sciences
Classification: Benign for MTO1-related condition. Last evaluated: 2020-01-04. Review status: no assertion criteria provided. Collection method: clinical testing. Allele origin: germline. Not counted in ClinVar's aggregate classification.
Comment: This variant is classified as benign based on ACMG/AMP sequence variant interpretation guidelines (Richards et al. 2015 PMID: 25741868, with internal and published modifications).

NM_012123.4(MTO1):c.1260+185_1260+188del

Gene: MTO1 (mitochondrial tRNA translation optimization 1; plus strand). Cytogenetic location: 6q13.
Variant type: Deletion.
Coding change: c.1260+185_1260+188del on transcript NM_012123.4 (MANE Select); bases 185 to 188 of the intron after coding-DNA position 1260, 4 bases deleted (TTTT; older notation c.1260+185_1260+188delTTTT).
Molecular consequence: intron variant.
Genome position (GRCh38, 1-based): chr6:73,480,990-73,480,993, TTTT deleted; deleting any 4 consecutive bases within chr6:73,480,970-73,480,993 gives the same sequence; the c. name uses the placement nearest the transcript's 3' end. VCF-style (leftmost placement, unchanged base first): chr6-73480969-GTTTT-G. GRCh37 (hg19) VCF-style: chr6-74190692-GTTTT-G.
Other names: c.1335+185_1335+188del (NM_133645.3); c.1261-7_1261-4del (NM_001123226.2); c.1261-7_1261-4delTTTT (NM_001123226.1).
Identifiers: ClinVar variation 1296468 (VCV001296468.4), dbSNP rs398001972, ClinGen allele CA3889580.